The following is an entry in ClinVar:

ClinVar aggregate classification (germline): Uncertain significance (1 of 4 stars; one submission).

Allele frequency attached by ClinVar (database versions not stated): TOPMed below 0.00001.
gnomAD v4.1: 2 of 1,409,690 alleles (0.00014%); highest among the groups gnomAD compares: Admixed American, 0.003%; no homozygotes.

Submission:

Labcorp Genetics (formerly Invitae), Labcorp
Classification: Uncertain significance. Last evaluated: 2024-10-29. Review status: criteria provided, single submitter. Criteria: Invitae Variant Classification Sherloc (09022015). Collection method: clinical testing. Allele origin: germline.
Comment: This sequence change replaces alanine, which is neutral and non-polar, with threonine, which is neutral and polar, at codon 13 of the P4HB protein (p.Ala13Thr). This variant is not present in population databases (gnomAD no frequency). This variant has not been reported in the literature in individuals affected with P4HB-related conditions. ClinVar contains an entry for this variant (Variation ID: 1384272). An algorithm developed to predict the effect of missense changes on protein structure and function (PolyPhen-2) suggests that this variant is likely to be disruptive. In summary, the available evidence is currently insufficient to determine the role of this variant in disease. Therefore, it has been classified as a Variant of Uncertain Significance.

NM_000918.4(P4HB):c.37G>A (p.Ala13Thr)

Gene: P4HB (prolyl 4-hydroxylase subunit beta; minus strand). Cytogenetic location: 17q25.3.
Variant type: single nucleotide variant.
Coding change: c.37G>A on transcript NM_000918.4 (MANE Select); coding-DNA position 37, G replaced by A.
Protein change: p.Ala13Thr; replaces alanine 13 with threonine.
Molecular consequence: missense variant.
Genome position (GRCh38, 1-based): chr17:81,860,435, C>T on the plus strand (G>A on the coding strand, the complement: P4HB is on the minus strand). VCF-style: chr17-81860435-C-T. GRCh37 (hg19) VCF-style: chr17-79818311-C-T.
Other names: short protein forms A13T.
Identifiers: ClinVar variation 1384272 (VCV001384272.6), dbSNP rs773197148, ClinGen allele CA401518677.